The following is an entry in ClinVar:

ClinVar aggregate classification (germline): Conflicting classifications of pathogenicity. Review status: criteria provided, conflicting classifications (1 of 4 stars). 3 submissions from 3 submitters: Uncertain significance (1); Likely benign (2). Last evaluated 2024-05-12.

Allele frequency attached by ClinVar (database versions not stated): gnomAD 0.00001; TOPMed 0.00001.
gnomAD v4.1: 16 of 1,614,128 alleles (0.00099%); highest among the groups gnomAD compares: Middle Eastern, 0.033%; 1 homozygote.

Submissions (3):

Labcorp Genetics (formerly Invitae), Labcorp
Classification: Likely benign. Last evaluated: 2024-05-12. Review status: criteria provided, single submitter. Criteria: Invitae Variant Classification Sherloc (09022015). Collection method: clinical testing. Allele origin: germline.

CeGaT Center for Human Genetics Tuebingen
Classification: Uncertain significance. Last evaluated: 2018-06-01. Review status: criteria provided, single submitter. Criteria: CeGaT Center For Human Genetics Tuebingen Variant Classification Criteria Version 2. Collection method: clinical testing. Allele origin: germline. Affected: yes. Observed: 1 variant allele.

GeneDx
Classification: Likely benign. Last evaluated: 2017-04-20. Review status: criteria provided, single submitter. Criteria: GeneDx Variant Classification (06012015). Collection method: clinical testing. Allele origin: germline. Affected: yes.
Comment: This variant is considered likely benign or benign based on one or more of the following criteria: it is a conservative change, it occurs at a poorly conserved position in the protein, it is predicted to be benign by multiple in silico algorithms, and/or has population frequency not consistent with disease.

NM_006086.4(TUBB3):c.210C>T (p.Pro70=)

Gene: TUBB3 (tubulin beta 3 class III; plus strand). Cytogenetic location: 16q24.3.
Variant type: single nucleotide variant.
Coding change: c.210C>T on transcript NM_006086.4 (MANE Select); coding-DNA position 210, C replaced by T.
Protein change: p.Pro70=; no amino-acid change (proline 70 retained).
Molecular consequence: synonymous variant. On other transcripts: 5 prime UTR variant (1).
Genome position (GRCh38, 1-based): chr16:89,933,511, C>T. VCF-style: chr16-89933511-C-T. GRCh37 (hg19) VCF-style: chr16-89999919-C-T.
Other names: c.-7C>T (NM_001197181.2).
Identifiers: ClinVar variation 508986 (VCV000508986.46), dbSNP rs754683361, ClinGen allele CA8256013.